The following is an entry in ClinVar:

NM_006521.6(TFE3):c.886-46T>C

Gene: TFE3 (transcription factor binding to IGHM enhancer 3; minus strand). Cytogenetic location: Xp11.23.
Variant type: single nucleotide variant.
Coding change: c.886-46T>C on transcript NM_006521.6 (MANE Select); 46 bases into the intron before coding-DNA position 886, T replaced by C.
Molecular consequence: intron variant.
Genome position (GRCh38, 1-based): chrX:49,034,297, A>G on the plus strand (T>C on the coding strand, the complement: TFE3 is on the minus strand). VCF-style: chrX-49034297-A-G. GRCh37 (hg19) VCF-style: chrX-48891811-A-G.
Other names: c.571-46T>C (NM_001282142.2).
Identifiers: ClinVar variation 2660502 (VCV002660502.24), dbSNP rs782437066, ClinGen allele CA10407758.
Genomic context (GRCh38, chrX:49,034,297, plus strand): 5'-CCCTGACACAGGCAGCTGGGGGCAGAGAGGGCAGAGAACCACCAGTTGGGAACAAACCCC[A>G]GGCTTGGCTCCTCCTCAGAACCAGGTTCCTGAGCTTCCACATATCCCAAAGATGGGGCAC-3'

ClinVar aggregate classification (germline): Likely benign (1 of 4 stars; one submission).

Allele frequency attached by ClinVar (database versions not stated): ExAC 0.00016.

Submission:

CeGaT Center for Human Genetics Tuebingen
Classification: Likely benign. Last evaluated: 2025-10-01. Review status: criteria provided, single submitter. Criteria: CeGaT Center For Human Genetics Tuebingen Variant Classification Criteria Version 2. Collection method: clinical testing. Allele origin: germline. Affected: yes. Observed: 2 variant alleles.
Comment: TFE3: BS2